The following is an entry in ClinVar:

NM_001009999.3(KDM1A):c.1633C>T (p.Leu545Phe)

Gene: KDM1A (lysine demethylase 1A; plus strand). Cytogenetic location: 1p36.12.
Variant type: single nucleotide variant.
Coding change: c.1633C>T on transcript NM_001009999.3 (MANE Select); coding-DNA position 1633, C replaced by T.
Protein change: p.Leu545Phe; replaces leucine 545 with phenylalanine.
Molecular consequence: missense variant.
Genome position (GRCh38, 1-based): chr1:23,073,302, C>T. VCF-style: chr1-23073302-C-T. GRCh37 (hg19) VCF-style: chr1-23399795-C-T.
Other names: c.1579C>T, p.Leu527Phe (NM_001363654.2); c.1561C>T, p.Leu521Phe (NM_015013.4); short protein forms L521F, L527F, L545F.
Identifiers: ClinVar variation 1313280 (VCV001313280.2), dbSNP rs2124523120, ClinGen allele CA338969070.
Genomic context (GRCh38, chr1:23,073,302, plus strand): 5'-AGAACTAGTGATATCTTTTAATAATCCTGTAGTCCTTTGTTCTTTTGCAGTGATGTATAT[C>T]TCTCATCAAGAGACAGACAAATACTTGATTGGCATTTTGCAAATCTTGAATTTGCTAATG-3'
Protein context (NP_001009999.1, residues 535-555): LEANPPSDVY[Leu545Phe]SSRDRQILDW

ClinVar aggregate classification (germline): Uncertain significance (1 of 4 stars; one submission).

Submission:

GeneDx
Classification: Uncertain significance. Last evaluated: 2020-10-19. Review status: criteria provided, single submitter. Criteria: GeneDx Variant Classification Process June 2021. Collection method: clinical testing. Allele origin: germline. Affected: yes.
Comment: Not observed in large population cohorts (Lek et al., 2016); In silico analysis supports that this missense variant has a deleterious effect on protein structure/function; Has not been previously published as pathogenic or benign to our knowledge